The following is an entry in ClinVar:

NM_002075.4(GNB3):c.186C>G (p.His62Gln)

Gene: GNB3 (G protein subunit beta 3; plus strand). Cytogenetic location: 12p13.31.
Variant type: single nucleotide variant.
Coding change: c.186C>G on transcript NM_002075.4 (MANE Select); coding-DNA position 186, C replaced by G.
Protein change: p.His62Gln; replaces histidine 62 with glutamine.
Molecular consequence: missense variant.
Genome position (GRCh38, 1-based): chr12:6,843,059, C>G. VCF-style: chr12-6843059-C-G. GRCh37 (hg19) VCF-style: chr12-6952223-C-G.
Other names: c.186C>G (NM_002075.2); c.186C>G, p.His62Gln (NM_001297571.2); short protein forms H62Q.
Identifiers: ClinVar variation 1946731 (VCV001946731.6), dbSNP rs1337171532, ClinGen allele CA383671824.

ClinVar aggregate classification (germline): Uncertain significance. Review status: criteria provided, multiple submitters, no conflicts (2 of 4 stars). 2 submissions from 2 submitters: Uncertain significance (2). Last evaluated 2024-06-17.

Conditions:
Inborn genetic diseases. Identifiers: MedGen C0950123, MeSH D030342.

Allele frequency attached by ClinVar (database versions not stated): gnomAD 0.00001; TOPMed 0.00001.
gnomAD v4.1: 11 of 1,598,696 alleles (0.00069%); highest among the groups gnomAD compares: Non-Finnish European, 0.00094%; no homozygotes.

Submissions (2):

Ambry Genetics
Classification: Uncertain significance for Inborn genetic diseases. Last evaluated: 2024-06-17. Review status: criteria provided, single submitter. Criteria: Ambry Variant Classification Scheme 2023. Collection method: clinical testing. Allele origin: germline.

Labcorp Genetics (formerly Invitae), Labcorp
Classification: Uncertain significance. Last evaluated: 2022-03-19. Review status: criteria provided, single submitter. Criteria: Invitae Variant Classification Sherloc (09022015). Collection method: clinical testing. Allele origin: germline.
Comment: This variant has not been reported in the literature in individuals affected with GNB3-related conditions. This variant is not present in population databases (gnomAD no frequency). This sequence change replaces histidine, which is basic and polar, with glutamine, which is neutral and polar, at codon 62 of the GNB3 protein (p.His62Gln). Algorithms developed to predict the effect of missense changes on protein structure and function (SIFT, PolyPhen-2, Align-GVGD) all suggest that this variant is likely to be tolerated. In summary, the available evidence is currently insufficient to determine the role of this variant in disease. Therefore, it has been classified as a Variant of Uncertain Significance.